The following is an entry in ClinVar:

NM_001369369.1(FOXN1):c.1772G>T (p.Gly591Val)

Gene: FOXN1 (forkhead box N1; plus strand). Cytogenetic location: 17q11.2.
Variant type: single nucleotide variant.
Coding change: c.1772G>T on transcript NM_001369369.1 (MANE Select); coding-DNA position 1772, G replaced by T.
Protein change: p.Gly591Val; replaces glycine 591 with valine.
Molecular consequence: missense variant.
Genome position (GRCh38, 1-based): chr17:28,537,261, G>T. VCF-style: chr17-28537261-G-T. GRCh37 (hg19) VCF-style: chr17-26864279-G-T.
Other names: c.1772G>T, p.Gly591Val (NM_003593.3); short protein forms G591V.
Identifiers: ClinVar variation 2782516 (VCV002782516.3), dbSNP rs2508443444, ClinGen allele CA398327964.

ClinVar aggregate classification (germline): Uncertain significance (1 of 4 stars; one submission).

Conditions:
T-cell immunodeficiency, congenital alopecia, and nail dystrophy. Also called: Congenital alopecia and nail dystrophy associated with severe functional T-cell immunodeficiency; Pignata Guarino syndrome. Identifiers: Orphanet 169095, MedGen C1866426, MONDO:0011132, OMIM 601705.

Submission:

Labcorp Genetics (formerly Invitae), Labcorp
Classification: Uncertain significance for T-cell immunodeficiency, congenital alopecia, and nail dystrophy. Last evaluated: 2023-02-14. Review status: criteria provided, single submitter. Criteria: Invitae Variant Classification Sherloc (09022015). Collection method: clinical testing. Allele origin: germline.
Comment: This variant has not been reported in the literature in individuals affected with FOXN1-related conditions. In summary, the available evidence is currently insufficient to determine the role of this variant in disease. Therefore, it has been classified as a Variant of Uncertain Significance. Advanced modeling of protein sequence and biophysical properties (such as structural, functional, and spatial information, amino acid conservation, physicochemical variation, residue mobility, and thermodynamic stability) performed at Invitae indicates that this missense variant is not expected to disrupt FOXN1 protein function. This variant is not present in population databases (gnomAD no frequency). This sequence change replaces glycine, which is neutral and non-polar, with valine, which is neutral and non-polar, at codon 591 of the FOXN1 protein (p.Gly591Val).